The following is an entry in ClinVar:

NM_012464.5(TLL1):c.2872A>G (p.Thr958Ala)

Gene: TLL1 (tolloid like 1; plus strand). Cytogenetic location: 4q32.3.
Variant type: single nucleotide variant.
Coding change: c.2872A>G on transcript NM_012464.5 (MANE Select); coding-DNA position 2872, A replaced by G.
Protein change: p.Thr958Ala; replaces threonine 958 with alanine.
Molecular consequence: missense variant.
Genome position (GRCh38, 1-based): chr4:166,099,492, A>G. VCF-style: chr4-166099492-A-G. GRCh37 (hg19) VCF-style: chr4-167020644-A-G.
Other names: short protein forms T958A.
Identifiers: ClinVar variation 1275013 (VCV001275013.2), dbSNP rs2291822, ClinGen allele CA3131329.

ClinVar aggregate classification (germline): Benign. Review status: criteria provided, multiple submitters, no conflicts (2 of 4 stars). 2 submissions from 2 submitters: Benign (2). Last evaluated 2018-11-12.

Allele frequency attached by ClinVar (database versions not stated): gnomAD exomes 0.06201 and 0.09479; ESP Exome Variant Server 0.09227; ExAC 0.09537; gnomAD 0.09921 and 0.10092; TOPMed 0.10933; 1000 Genomes Project 30x 0.16115; 1000 Genomes Project 0.16474.
gnomAD v4.1: 106,683 of 1,613,264 alleles (6.6%); highest among the groups gnomAD compares: East Asian, 42%; 7,365 homozygotes.

Submissions (2):

GeneDx
Classification: Benign. Last evaluated: 2018-11-12. Review status: criteria provided, single submitter. Criteria: GeneDx Variant Classification Process June 2021. Collection method: clinical testing. Allele origin: germline. Affected: yes.
Comment: This variant is associated with the following publications: (PMID: 28358424)

Breakthrough Genomics
Classification: Benign. Review status: criteria provided, single submitter. Criteria: ACMG Guidelines, 2015. Collection method: not provided. Allele origin: germline. Inheritance: Autosomal dominant inheritance. Affected: yes.